The following is an entry in ClinVar:

NM_014704.4(CEP104):c.1906A>G (p.Met636Val)

Genes: CEP104 (centrosomal protein 104; minus strand), LOC126805586 (CDK7 strongly-dependent group 2 enhancer GRCh37_chr1:3745882-3747081; plus strand). Cytogenetic location: 1p36.32.
Variant type: single nucleotide variant.
Coding change: c.1906A>G on transcript NM_014704.4 (MANE Select); coding-DNA position 1906, A replaced by G.
Protein change: p.Met636Val; replaces methionine 636 with valine.
Molecular consequence: missense variant.
Genome position (GRCh38, 1-based): chr1:3,829,928, T>C on the plus strand (A>G on the coding strand, the complement: CEP104 is on the minus strand). VCF-style: chr1-3829928-T-C. GRCh37 (hg19) VCF-style: chr1-3746492-T-C.
Other names: short protein forms M636V.
Identifiers: ClinVar variation 2084493 (VCV002084493.4), dbSNP rs1317497394, ClinGen allele CA338038832.

ClinVar aggregate classification (germline): Uncertain significance (1 of 4 stars; one submission).

Conditions:
Joubert syndrome 25 (JBTS25). Identifiers: Orphanet 475, MedGen C4084842, MONDO:0014770, OMIM 616781.

Allele frequency attached by ClinVar (database versions not stated): gnomAD exomes 0.00001; gnomAD 0.00002; TOPMed 0.00002.
gnomAD v4.1: 12 of 1,614,096 alleles (0.00074%); highest among the groups gnomAD compares: Non-Finnish European, 0.001%; no homozygotes.

Submission:

Labcorp Genetics (formerly Invitae), Labcorp
Classification: Uncertain significance for Joubert syndrome 25. Last evaluated: 2022-08-19. Review status: criteria provided, single submitter. Criteria: Invitae Variant Classification Sherloc (09022015). Collection method: clinical testing. Allele origin: germline.
Comment: This sequence change replaces methionine, which is neutral and non-polar, with valine, which is neutral and non-polar, at codon 636 of the CEP104 protein (p.Met636Val). This variant is not present in population databases (gnomAD no frequency). This variant has not been reported in the literature in individuals affected with CEP104-related conditions. Algorithms developed to predict the effect of missense changes on protein structure and function (SIFT, PolyPhen-2, Align-GVGD) all suggest that this variant is likely to be tolerated. In summary, the available evidence is currently insufficient to determine the role of this variant in disease. Therefore, it has been classified as a Variant of Uncertain Significance.